The following is an entry in ClinVar:

ClinVar aggregate classification (germline): Uncertain significance (1 of 4 stars; one submission).

Submission:

Labcorp Genetics (formerly Invitae), Labcorp
Classification: Uncertain significance. Last evaluated: 2024-07-15. Review status: criteria provided, single submitter. Criteria: Invitae Variant Classification Sherloc (09022015). Collection method: clinical testing. Allele origin: germline.
Comment: This variant, c.8662_8667del, results in the deletion of 2 amino acid(s) of the COL7A1 protein (p.Tyr2888_Thr2889del), but otherwise preserves the integrity of the reading frame. This variant is not present in population databases (gnomAD no frequency). This variant has not been reported in the literature in individuals affected with COL7A1-related conditions. Experimental studies and prediction algorithms are not available or were not evaluated, and the functional significance of this variant is currently unknown. In summary, the available evidence is currently insufficient to determine the role of this variant in disease. Therefore, it has been classified as a Variant of Uncertain Significance.

NM_000094.4(COL7A1):c.8662_8667del (p.Tyr2888_Thr2889del)

Gene: COL7A1 (collagen type VII alpha 1 chain; minus strand). Cytogenetic location: 3p21.31.
Variant type: Deletion.
Coding change: c.8662_8667del on transcript NM_000094.4 (MANE Select); coding-DNA positions 8662 to 8667, 6 bases deleted (TACACC; older notation c.8662_8667delTACACC).
Protein change: p.Tyr2888_Thr2889del.
Molecular consequence: inframe deletion.
Genome position (GRCh38, 1-based): chr3:48,564,934-48,564,939, GGTGTA deleted on the plus strand (TACACC on the coding strand, the reverse complement: COL7A1 is on the minus strand); deleting any 6 consecutive bases within chr3:48,564,934-48,564,941 gives the same sequence; the c. name uses the placement nearest the transcript's 3' end. VCF-style (leftmost placement, unchanged base first): chr3-48564933-GGGTGTA-G. GRCh37 (hg19) VCF-style: chr3-48602366-GGGTGTA-G.
Identifiers: ClinVar variation 2896538 (VCV002896538.3), dbSNP rs2530796884, ClinGen allele CA2739278406.